The following is an entry in ClinVar:

NM_001195553.2(DCX):c.119C>T (p.Thr40Ile)

Gene: DCX (doublecortin; minus strand). Cytogenetic location: Xq23.
Variant type: single nucleotide variant.
Coding change: c.119C>T on transcript NM_001195553.2 (MANE Select); coding-DNA position 119, C replaced by T.
Protein change: p.Thr40Ile; replaces threonine 40 with isoleucine.
Molecular consequence: missense variant.
Genome position (GRCh38, 1-based): chrX:111,410,280, G>A on the plus strand (C>T on the coding strand, the complement: DCX is on the minus strand). VCF-style: chrX-111410280-G-A. GRCh37 (hg19) VCF-style: chrX-110653508-G-A.
Other names: c.362C>T, p.Thr121Ile (NM_000555.3); c.119C>T, p.Thr40Ile (NM_001369370.1, NM_001369371.1, NM_001369372.1 and 5 more transcripts); c.119C>T (NM_178153.1); short protein forms T121I, T40I.
Identifiers: ClinVar variation 1162911 (VCV001162911.6), dbSNP rs2147276605, ClinGen allele CA414247071.

ClinVar aggregate classification (germline): Uncertain significance. Review status: criteria provided, multiple submitters, no conflicts (2 of 4 stars). 2 submissions from 2 submitters: Uncertain significance (2). Last evaluated 2024-06-06.

Submissions (2):

GeneDx
Classification: Uncertain significance. Last evaluated: 2024-06-06. Review status: criteria provided, single submitter. Criteria: GeneDx Variant Classification Process June 2021. Collection method: clinical testing. Allele origin: germline. Affected: yes.
Comment: Not observed at significant frequency in large population cohorts (gnomAD); In silico analysis supports that this missense variant has a deleterious effect on protein structure/function; Has not been previously published as pathogenic or benign to our knowledge

Mayo Clinic Laboratories, Mayo Clinic
Classification: Uncertain significance. Last evaluated: 2020-05-22. Review status: criteria provided, single submitter. Criteria: ACMG Guidelines, 2015. Collection method: clinical testing. Allele origin: germline. Observed: 1 variant allele.